The following is an entry in ClinVar:

NM_012414.4(RAB3GAP2):c.304C>T (p.Pro102Ser)

Gene: RAB3GAP2 (RAB3 GTPase activating non-catalytic protein subunit 2; minus strand). Cytogenetic location: 1q41.
Variant type: single nucleotide variant.
Coding change: c.304C>T on transcript NM_012414.4 (MANE Select); coding-DNA position 304, C replaced by T.
Protein change: p.Pro102Ser; replaces proline 102 with serine.
Molecular consequence: missense variant.
Genome position (GRCh38, 1-based): chr1:220,213,856, G>A on the plus strand (C>T on the coding strand, the complement: RAB3GAP2 is on the minus strand). VCF-style: chr1-220213856-G-A. GRCh37 (hg19) VCF-style: chr1-220387198-G-A.
Other names: c.304C>T (NM_012414.3); short protein forms P102S.
Identifiers: ClinVar variation 2062136 (VCV002062136.3), dbSNP rs368861572, ClinGen allele CA1403075.

ClinVar aggregate classification (germline): Uncertain significance. Review status: criteria provided, multiple submitters, no conflicts (2 of 4 stars). 3 submissions from 3 submitters: Uncertain significance (3). Last evaluated 2022-08-19.

Conditions:
Martsolf syndrome (MARTS). Also called: Congenital cataract with intellectual disability and hypogonadotropic hypogonadism syndrome. Identifiers: Orphanet 1387, MedGen C0796037, MONDO:0023910.
Warburg micro syndrome 2 (WARBM2). Also called: MICRO SYNDROME 2. Identifiers: Orphanet 2510, MedGen C3280214, MONDO:0013641, OMIM 614225.

Allele frequency attached by ClinVar (database versions not stated): ExAC 0.00002; gnomAD 0.00002; TOPMed 0.00003; ESP Exome Variant Server 0.00008; 1000 Genomes Project 30x 0.00016; 1000 Genomes Project 0.00020.

Submissions (3):

GeneDx
Classification: Uncertain significance. Last evaluated: 2022-08-19. Review status: criteria provided, single submitter. Criteria: GeneDx Variant Classification Process June 2021. Collection method: clinical testing. Allele origin: germline. Affected: yes.
Comment: In silico analysis supports that this missense variant does not alter protein structure/function; Has not been previously published as pathogenic or benign to our knowledge

Labcorp Genetics (formerly Invitae), Labcorp
Classification: Uncertain significance for Martsolf syndrome; Warburg micro syndrome 2. Last evaluated: 2022-05-26. Review status: criteria provided, single submitter. Criteria: Invitae Variant Classification Sherloc (09022015). Collection method: clinical testing. Allele origin: germline.
Comment: This sequence change replaces proline, which is neutral and non-polar, with serine, which is neutral and polar, at codon 102 of the RAB3GAP2 protein (p.Pro102Ser). This variant is present in population databases (rs368861572, gnomAD 0.007%). This variant has not been reported in the literature in individuals affected with RAB3GAP2-related conditions. Algorithms developed to predict the effect of missense changes on protein structure and function (SIFT, PolyPhen-2, Align-GVGD) all suggest that this variant is likely to be tolerated. Algorithms developed to predict the effect of sequence changes on RNA splicing suggest that this variant may disrupt the consensus splice site. In summary, the available evidence is currently insufficient to determine the role of this variant in disease. Therefore, it has been classified as a Variant of Uncertain Significance.

Breakthrough Genomics
Classification: Uncertain significance. Review status: criteria provided, single submitter. Criteria: ACMG Guidelines, 2015. Collection method: not provided. Allele origin: germline. Inheritance: Autosomal recessive inheritance. Affected: yes.